The following is an entry in ClinVar:

ClinVar aggregate classification (germline): Uncertain significance (1 of 4 stars; one submission).

Conditions:
Cardiovascular phenotype. Identifiers: MedGen CN230736.

Submission:

Ambry Genetics
Classification: Uncertain significance for Cardiovascular phenotype. Last evaluated: 2024-05-15. Review status: criteria provided, single submitter. Criteria: Ambry Variant Classification Scheme 2023. Collection method: clinical testing. Allele origin: germline.
Comment: The p.A1413T variant (also known as c.4237G>A), located in coding exon 35 of the CACNA1C gene, results from a G to A substitution at nucleotide position 4237. The alanine at codon 1413 is replaced by threonine, an amino acid with similar properties. This amino acid position is highly conserved in available vertebrate species. In addition, this alteration is predicted to be deleterious by in silico analysis. Based on the available evidence, the clinical significance of this variant remains unclear.

NM_000719.7(CACNA1C):c.4237G>A (p.Ala1413Thr)

Gene: CACNA1C (calcium voltage-gated channel subunit alpha1 C; plus strand). Cytogenetic location: 12p13.33.
Variant type: single nucleotide variant.
Coding change: c.4237G>A on transcript NM_000719.7 (MANE Select); coding-DNA position 4237, G replaced by A.
Protein change: p.Ala1413Thr; replaces alanine 1413 with threonine.
Molecular consequence: missense variant.
Genome position (GRCh38, 1-based): chr12:2,664,829, G>A. VCF-style: chr12-2664829-G-A. GRCh37 (hg19) VCF-style: chr12-2773995-G-A.
Other names: c.4381G>A, p.Ala1461Thr (NM_001129827.2, NM_199460.4); c.4303G>A, p.Ala1435Thr (NM_001129829.2); c.4237G>A, p.Ala1413Thr (NM_001129830.3, NM_001129833.2, NM_001129834.2 and 7 more transcripts); c.4321G>A, p.Ala1441Thr (NM_001129831.2); c.4297G>A, p.Ala1433Thr (NM_001129832.2); c.4288G>A, p.Ala1430Thr (NM_001129836.2); c.4204G>A, p.Ala1402Thr (NM_001129837.2, NM_001129838.2, NM_001129846.2 and 1 more transcripts); c.4198G>A, p.Ala1400Thr (NM_001129839.2); and 1 more; short protein forms A1433T, A1410T, A1413T, A1461T, A1400T, A1402T, A1435T, A1441T.
Identifiers: ClinVar variation 3262720 (VCV003262720.1).